The following is an entry in ClinVar:

NM_198578.4(LRRK2):c.4409C>A (p.Thr1470Asn)

Gene: LRRK2 (leucine rich repeat kinase 2; plus strand). Cytogenetic location: 12q12.
Variant type: single nucleotide variant.
Coding change: c.4409C>A on transcript NM_198578.4 (MANE Select); coding-DNA position 4409, C replaced by A.
Protein change: p.Thr1470Asn; replaces threonine 1470 with asparagine.
Molecular consequence: missense variant.
Genome position (GRCh38, 1-based): chr12:40,310,522, C>A. VCF-style: chr12-40310522-C-A. GRCh37 (hg19) VCF-style: chr12-40704324-C-A.
Other names: short protein forms T1470N.
Identifiers: ClinVar variation 1740368 (VCV001740368.3), dbSNP rs2499827479, ClinGen allele CA384418444.

ClinVar aggregate classification (germline): Uncertain significance (1 of 4 stars; one submission).

Conditions:
Inborn genetic diseases. Identifiers: MedGen C0950123, MeSH D030342.

Submission:

Ambry Genetics
Classification: Uncertain significance for Inborn genetic diseases. Last evaluated: 2024-06-11. Review status: criteria provided, single submitter. Criteria: Ambry Variant Classification Scheme 2023. Collection method: clinical testing. Allele origin: germline.
Comment: The p.T1470N variant (also known as c.4409C>A), located in coding exon 31 of the LRRK2 gene, results from a C to A substitution at nucleotide position 4409. The threonine at codon 1470 is replaced by asparagine, an amino acid with similar properties. This amino acid position is conserved. In addition, this alteration is predicted to be tolerated by in silico analysis. Since supporting evidence is limited at this time, the clinical significance of this alteration remains unclear.